The following is an entry in ClinVar:

NM_000404.4(GLB1):c.1672A>G (p.Ile558Val)

Gene: GLB1 (galactosidase beta 1; minus strand). Cytogenetic location: 3p22.3.
Variant type: single nucleotide variant.
Coding change: c.1672A>G on transcript NM_000404.4 (MANE Select); coding-DNA position 1672, A replaced by G.
Protein change: p.Ile558Val; replaces isoleucine 558 with valine.
Molecular consequence: missense variant.
Genome position (GRCh38, 1-based): chr3:33,014,118, T>C on the plus strand (A>G on the coding strand, the complement: GLB1 is on the minus strand). VCF-style: chr3-33014118-T-C. GRCh37 (hg19) VCF-style: chr3-33055610-T-C.
Other names: c.1582A>G, p.Ile528Val (NM_001079811.3); c.1279A>G, p.Ile427Val (NM_001135602.3); c.1816A>G, p.Ile606Val (NM_001317040.2); c.1672A>G, p.Ile558Val (NM_001393580.1); short protein forms I606V, I427V, I528V, I558V.
Identifiers: ClinVar variation 1990219 (VCV001990219.5), dbSNP rs1697138694, ClinGen allele CA351984098.

ClinVar aggregate classification (germline): Uncertain significance. Review status: criteria provided, multiple submitters, no conflicts (2 of 4 stars). 2 submissions from 2 submitters: Uncertain significance (2). Last evaluated 2022-07-28.

Conditions:
Mucopolysaccharidosis, MPS-IV-B (MPS4B). Also called: Mucopolysaccharidosis Type IVB (Morquio B Disease); Mucopolysaccharidosis type 4B; MORQUIO SYNDROME B; Mucopolysaccharidosis Type IVB; Mucopolysaccharidosis type IV B; Mucopolysaccharidosis type IVB (Morquio). Identifiers: Orphanet 309310, Orphanet 582, MedGen C0086652, MONDO:0009660, OMIM 253010.
GM1 gangliosidosis. Identifiers: Orphanet 354, MedGen C0085131, MONDO:0018149.

Allele frequency attached by ClinVar (database versions not stated): TOPMed below 0.00001.

Submissions (2):

Labcorp Genetics (formerly Invitae), Labcorp
Classification: Uncertain significance for Mucopolysaccharidosis, MPS-IV-B; GM1 gangliosidosis. Last evaluated: 2022-07-28. Review status: criteria provided, single submitter. Criteria: Invitae Variant Classification Sherloc (09022015). Collection method: clinical testing. Allele origin: germline.
Comment: In summary, the available evidence is currently insufficient to determine the role of this variant in disease. Therefore, it has been classified as a Variant of Uncertain Significance. Algorithms developed to predict the effect of missense changes on protein structure and function (SIFT, PolyPhen-2, Align-GVGD) all suggest that this variant is likely to be tolerated. This variant has not been reported in the literature in individuals affected with GLB1-related conditions. This variant is not present in population databases (gnomAD no frequency). This sequence change replaces isoleucine, which is neutral and non-polar, with valine, which is neutral and non-polar, at codon 558 of the GLB1 protein (p.Ile558Val).

Blueprint Genetics
Classification: Uncertain significance. Last evaluated: 2021-06-02. Review status: criteria provided, single submitter. Criteria: ACMG Guidelines, 2015. Collection method: clinical testing. Allele origin: germline.